The following is an entry in ClinVar:

NM_000782.5(CYP24A1):c.296T>A (p.Met99Lys)

Gene: CYP24A1 (cytochrome P450 family 24 subfamily A member 1; minus strand). Cytogenetic location: 20q13.2.
Variant type: single nucleotide variant.
Coding change: c.296T>A on transcript NM_000782.5 (MANE Select); coding-DNA position 296, T replaced by A.
Protein change: p.Met99Lys; replaces methionine 99 with lysine.
Molecular consequence: missense variant.
Genome position (GRCh38, 1-based): chr20:54,173,062, A>T on the plus strand (T>A on the coding strand, the complement: CYP24A1 is on the minus strand). VCF-style: chr20-54173062-A-T. GRCh37 (hg19) VCF-style: chr20-52789601-A-T.
Other names: c.296T>A, p.Met99Lys (NM_001128915.2, NM_001424340.1, NM_001424341.1 and 2 more transcripts); short protein forms M99K.
Identifiers: ClinVar variation 3894563 (VCV003894563.1).

ClinVar aggregate classification (germline): Uncertain significance (1 of 4 stars; one submission).

Conditions:
Hypercalcemia, infantile, 1 (HCINF1). Identifiers: Orphanet 300547, MedGen CN031131, MONDO:0020739, OMIM 143880.

Submission:

MVZ Medizinische Genetik Mainz
Classification: Uncertain significance for Hypercalcemia, infantile, 1. Last evaluated: 2025-03-25. Review status: criteria provided, single submitter. Criteria: UK Practice Guidelines For Variant Classification V4 01 2020. Collection method: clinical testing. Allele origin: germline. Inheritance: Autosomal recessive inheritance. Affected: yes. Observed: 1 variant allele.
Comment: ACMG Criteria: PM2_SUP,PM3_SUP